The following is an entry in ClinVar:

NM_018136.5(ASPM):c.7701T>C (p.Tyr2567=)

Gene: ASPM (assembly factor for spindle microtubules; minus strand). Cytogenetic location: 1q31.3.
Variant type: single nucleotide variant.
Coding change: c.7701T>C on transcript NM_018136.5 (MANE Select); coding-DNA position 7701, T replaced by C.
Protein change: p.Tyr2567=; no amino-acid change (tyrosine 2567 retained).
Molecular consequence: synonymous variant. On other transcripts: intron variant (1).
Genome position (GRCh38, 1-based): chr1:197,101,550, A>G on the plus strand (T>C on the coding strand, the complement: ASPM is on the minus strand). VCF-style: chr1-197101550-A-G. GRCh37 (hg19) VCF-style: chr1-197070680-A-G.
Other names: c.4066-5386T>C (NM_001206846.2).
Identifiers: ClinVar variation 383222 (VCV000383222.9), dbSNP rs544467368, ClinGen allele CA1309352.

ClinVar aggregate classification (germline): Likely benign. Review status: criteria provided, multiple submitters, no conflicts (2 of 4 stars). 3 submissions from 3 submitters: Likely benign (3). Last evaluated 2025-12-29.

Conditions:
Microcephaly 5, primary, autosomal recessive (MCPH5). Also called: ASPM Primary Microcephaly. Identifiers: Orphanet 2512, MedGen C1837501, MONDO:0012106, OMIM 608716.

Allele frequency attached by ClinVar (database versions not stated): gnomAD exomes below 0.00001 and 0.00001; ExAC 0.00001; gnomAD 0.00003 and 0.00004; TOPMed 0.00007; 1000 Genomes Project 30x 0.00016; 1000 Genomes Project 0.00020.

Submissions (3):

Labcorp Genetics (formerly Invitae), Labcorp
Classification: Likely benign. Last evaluated: 2025-12-29. Review status: criteria provided, single submitter. Criteria: Invitae Variant Classification Sherloc (09022015). Collection method: clinical testing. Allele origin: germline.

Genome-Nilou Lab
Classification: Likely benign for Microcephaly 5, primary, autosomal recessive. Last evaluated: 2023-04-11. Review status: criteria provided, single submitter. Criteria: ACMG Guidelines, 2015. Collection method: clinical testing. Allele origin: germline. Affected: no.

GeneDx
Classification: Likely benign. Last evaluated: 2016-02-04. Review status: criteria provided, single submitter. Criteria: GeneDx Variant Classification (06012015). Collection method: clinical testing. Allele origin: germline. Affected: yes.
Comment: This variant is considered likely benign or benign based on one or more of the following criteria: it is a conservative change, it occurs at a poorly conserved position in the protein, it is predicted to be benign by multiple in silico algorithms, and/or has population frequency not consistent with disease.